The following is an entry in ClinVar:

ClinVar aggregate classification (germline): Uncertain significance (1 of 4 stars; one submission).

Allele frequency attached by ClinVar (database versions not stated): ExAC 0.00001.

Submission:

Labcorp Genetics (formerly Invitae), Labcorp
Classification: Uncertain significance. Last evaluated: 2026-01-05. Review status: criteria provided, single submitter. Criteria: Invitae Variant Classification Sherloc (09022015). Collection method: clinical testing. Allele origin: germline.
Comment: This sequence change replaces isoleucine, which is neutral and non-polar, with serine, which is neutral and polar, at codon 2872 of the VCAN protein (p.Ile2872Ser). This variant is present in population databases (rs750321158, gnomAD 0.006%). This variant has not been reported in the literature in individuals affected with VCAN-related conditions. ClinVar contains an entry for this variant (Variation ID: 2056650). An algorithm developed to predict the effect of missense changes on protein structure and function outputs the following: PolyPhen-2: "Benign". The serine amino acid residue is found in multiple mammalian species, which suggests that this missense change does not adversely affect protein function. In summary, the available evidence is currently insufficient to determine the role of this variant in disease. Therefore, it has been classified as a Variant of Uncertain Significance.

NM_004385.5(VCAN):c.8615T>G (p.Ile2872Ser)

Genes: VCAN (versican; plus strand), VCAN-AS1 (VCAN antisense RNA 1; minus strand). Cytogenetic location: 5q14.3.
Variant type: single nucleotide variant.
Coding change: c.8615T>G on transcript NM_004385.5 (MANE Select); coding-DNA position 8615, T replaced by G.
Protein change: p.Ile2872Ser; replaces isoleucine 2872 with serine.
Molecular consequence: missense variant. On other transcripts: intron variant (2).
Genome position (GRCh38, 1-based): chr5:83,541,618, T>G. VCF-style: chr5-83541618-T-G. GRCh37 (hg19) VCF-style: chr5-82837437-T-G.
Other names: c.5654T>G, p.Ile1885Ser (NM_001164097.2); c.4004-3919T>G (NM_001164098.2); c.1043-3919T>G (NM_001126336.3); short protein forms I1885S, I2872S.
Identifiers: ClinVar variation 2056650 (VCV002056650.4), dbSNP rs750321158, ClinGen allele CA3333839.